The following is an entry in ClinVar:

NM_007294.4(BRCA1):c.5304C>A (p.Cys1768Ter)

Gene: BRCA1 (BRCA1 DNA repair associated; minus strand). Cytogenetic location: 17q21.31.
Variant type: single nucleotide variant.
Coding change: c.5304C>A on transcript NM_007294.4 (MANE Select); coding-DNA position 5304, C replaced by A.
Protein change: p.Cys1768Ter; replaces cysteine 1768 with a stop codon.
Molecular consequence: nonsense. On other transcripts: non-coding transcript variant (1).
Genome position (GRCh38, 1-based): chr17:43,051,091, G>T on the plus strand (C>A on the coding strand, the complement: BRCA1 is on the minus strand). VCF-style: chr17-43051091-G-T. GRCh37 (hg19) VCF-style: chr17-41203108-G-T.
Other names: c.5091C>A, p.Cys1697Ter (NM_001407571.1, NM_001407894.1, NM_001407895.1 and 12 more transcripts); c.5370C>A, p.Cys1790Ter (NM_001407581.1, NM_001407582.1); c.5367C>A, p.Cys1789Ter (NM_001407583.1, NM_001407585.1, NM_001407587.1 and 1 more transcripts); c.5364C>A, p.Cys1788Ter (NM_001407590.1, NM_001407591.1); c.5304C>A, p.Cys1768Ter (NM_001407593.1, NM_001407594.1, NM_001407596.1 and 6 more transcripts); c.5301C>A, p.Cys1767Ter (NM_001407616.1, NM_001407617.1, NM_001407618.1 and 17 more transcripts); c.5298C>A, p.Cys1766Ter (NM_001407635.1, NM_001407636.1, NM_001407637.1 and 14 more transcripts); c.5295C>A, p.Cys1765Ter (NM_001407644.1, NM_001407645.1); and 72 more; short protein forms C1721*, C1768*, C1789*, C664*, C1599*, C1639*, C1655*, C1656*.
Identifiers: ClinVar variation 865285 (VCV000865285.3), dbSNP rs138493864, ClinGen allele CA10590941.
Genomic context (GRCh38, chr17:43,051,091, plus strand): 5'-GCTGGAACTCTGGGGTTCTCCCAGGCTCTTACCTGTGGGCATGTTGGTGAAGGGCCCATA[G>T]CAACAGATTTCTAGCCCCCTGAAGATCTGGAAGAAGAGAGGAAGAGAGAGGGACAGGGGA-3'

Conditions:
Breast-ovarian cancer, familial, susceptibility to, 1 (BROVCA1). Also called: BRCA1 Hereditary Breast and Ovarian Cancer; OVARIAN CANCER, SUSCEPTIBILITY TO. Identifiers: Orphanet 145, MedGen C2676676, MONDO:0011450, OMIM 604370. Disease mechanism: loss of function.

Submission:

Brotman Baty Institute, University of Washington
No classification provided (evidence only). Condition: Breast-ovarian cancer, familial 1. Review status: no classification provided. Collection method: in vitro. Allele origin: not applicable. Functional consequence: functionally_abnormal.
ClinVar note: "not provided" was previously submitted as the classification for the variant. However, the classification appeared to be based only on an observation of functional data so it was converted to no classification on 2025-07-30.